The following is an entry in ClinVar:

NM_173500.4(TTBK2):c.943C>G (p.Pro315Ala)

Gene: TTBK2 (tau tubulin kinase 2; minus strand). Cytogenetic location: 15q15.2.
Variant type: single nucleotide variant.
Coding change: c.943C>G on transcript NM_173500.4 (MANE Select); coding-DNA position 943, C replaced by G.
Protein change: p.Pro315Ala; replaces proline 315 with alanine.
Molecular consequence: missense variant.
Genome position (GRCh38, 1-based): chr15:42,794,681, G>C on the plus strand (C>G on the coding strand, the complement: TTBK2 is on the minus strand). VCF-style: chr15-42794681-G-C. GRCh37 (hg19) VCF-style: chr15-43086879-G-C.
Other names: short protein forms P315A.
Identifiers: ClinVar variation 1313348 (VCV001313348.2), dbSNP rs374162160, ClinGen allele CA7517000.

ClinVar aggregate classification (germline): Uncertain significance (1 of 4 stars; one submission).

Allele frequency attached by ClinVar (database versions not stated): ExAC 0.00001; gnomAD 0.00001; TOPMed 0.00002; ESP Exome Variant Server 0.00008.
gnomAD v4.1: 2 of 1,613,984 alleles (0.00012%); highest among the groups gnomAD compares: African/African-American, 0.0013%; no homozygotes.

Submission:

GeneDx
Classification: Uncertain significance. Last evaluated: 2020-10-16. Review status: criteria provided, single submitter. Criteria: GeneDx Variant Classification Process June 2021. Collection method: clinical testing. Allele origin: germline. Affected: yes.
Comment: In silico analysis supports that this missense variant has a deleterious effect on protein structure/function; Has not been previously published as pathogenic or benign to our knowledge